The following is an entry in ClinVar:

ClinVar aggregate classification (germline): Uncertain significance (1 of 4 stars; one submission).

Conditions:
Cardiovascular phenotype. Identifiers: MedGen CN230736.

Submission:

Ambry Genetics
Classification: Uncertain significance for Cardiovascular phenotype. Last evaluated: 2020-10-26. Review status: criteria provided, single submitter. Criteria: Ambry Variant Classification Scheme 2023. Collection method: clinical testing. Allele origin: germline.
Comment: The p.N971S variant (also known as c.2912A>G), located in coding exon 11 of the RBM20 gene, results from an A to G substitution at nucleotide position 2912. The asparagine at codon 971 is replaced by serine, an amino acid with highly similar properties. This amino acid position is not well conserved in available vertebrate species, and serine is the reference amino acid in other vertebrate species. In addition, this alteration is predicted to be tolerated by in silico analysis. Since supporting evidence is limited at this time, the clinical significance of this alteration remains unclear.

NM_001134363.3(RBM20):c.2912A>G (p.Asn971Ser)

Gene: RBM20 (RNA binding motif protein 20; plus strand). Cytogenetic location: 10q25.2.
Variant type: single nucleotide variant.
Coding change: c.2912A>G on transcript NM_001134363.3 (MANE Select); coding-DNA position 2912, A replaced by G.
Protein change: p.Asn971Ser; replaces asparagine 971 with serine.
Molecular consequence: missense variant.
Genome position (GRCh38, 1-based): chr10:110,821,531, A>G. VCF-style: chr10-110821531-A-G. GRCh37 (hg19) VCF-style: chr10-112581289-A-G.
Other names: short protein forms N971S.
Identifiers: ClinVar variation 1797593 (VCV001797593.2), dbSNP rs2493494013, ClinGen allele CA378378414.